The following is an entry in ClinVar:

ClinVar aggregate classification (germline): Likely pathogenic (1 of 4 stars; one submission).

Conditions:
Distal myopathy with posterior leg and anterior hand involvement. Also called: WILLIAMS DISTAL MYOPATHY. Identifiers: Orphanet 63273, MedGen C3279722, MONDO:0013550, OMIM 614065.
Hypertrophic cardiomyopathy 26. Also called: Cardiomyopathy, familial hypertrophic, 26. Identifiers: Orphanet 75249, MedGen C4310749, MONDO:0014883, OMIM 617047.
Myofibrillar myopathy 5. Also called: Filaminopathy (type); FILAMINOPATHY, AUTOSOMAL DOMINANT. Identifiers: Orphanet 171445, MedGen C1836050, MONDO:0012289, OMIM 609524.

Submission:

Labcorp Genetics (formerly Invitae), Labcorp
Classification: Likely pathogenic for Distal myopathy with posterior leg and anterior hand involvement; Myofibrillar myopathy 5; Hypertrophic cardiomyopathy 26. Last evaluated: 2024-09-03. Review status: criteria provided, single submitter. Criteria: Invitae Variant Classification Sherloc (09022015). Collection method: clinical testing. Allele origin: germline.
Comment: This sequence change replaces isoleucine, which is neutral and non-polar, with serine, which is neutral and polar, at codon 2573 of the FLNC protein (p.Ile2573Ser). This variant is not present in population databases (gnomAD no frequency). This missense change has been observed in individual(s) with clinical features of FLNC-related conditions (internal data). In at least one individual the variant was observed to be de novo. Invitae Evidence Modeling of protein sequence and biophysical properties (such as structural, functional, and spatial information, amino acid conservation, physicochemical variation, residue mobility, and thermodynamic stability) has been performed for this missense variant. However, the output from this modeling did not meet the statistical confidence thresholds required to predict the impact of this variant on FLNC protein function. In summary, the currently available evidence indicates that the variant is pathogenic, but additional data are needed to prove that conclusively. Therefore, this variant has been classified as Likely Pathogenic.

NM_001458.5(FLNC):c.7718T>G (p.Ile2573Ser)

Genes: FLNC (filamin C; plus strand), FLNC-AS1 (FLNC antisense RNA 1; minus strand). Cytogenetic location: 7q32.1.
Variant type: single nucleotide variant.
Coding change: c.7718T>G on transcript NM_001458.5 (MANE Select); coding-DNA position 7718, T replaced by G.
Protein change: p.Ile2573Ser; replaces isoleucine 2573 with serine.
Molecular consequence: missense variant.
Genome position (GRCh38, 1-based): chr7:128,857,274, T>G. VCF-style: chr7-128857274-T-G. GRCh37 (hg19) VCF-style: chr7-128497328-T-G.
Other names: c.7619T>G, p.Ile2540Ser (NM_001127487.2); short protein forms I2540S, I2573S.
Identifiers: ClinVar variation 3755381 (VCV003755381.2).